The following is an entry in ClinVar:

ClinVar aggregate classification (germline): Uncertain significance (1 of 4 stars; one submission).

Submission:

Labcorp Genetics (formerly Invitae), Labcorp
Classification: Uncertain significance. Last evaluated: 2022-09-27. Review status: criteria provided, single submitter. Criteria: Invitae Variant Classification Sherloc (09022015). Collection method: clinical testing. Allele origin: germline.
Comment: A gross deletion of the genomic region encompassing the full coding sequence of the PSMG2 gene has been identified. The current clinical and genetic evidence is not sufficient to establish whether loss-of-function variants in PSMG2 cause disease. The boundaries of this event are unknown as they extend beyond the assayed region for this gene and therefore may encompass additional genes. This variant has not been reported in the literature in individuals affected with PSMG2-related conditions. In summary, the available evidence is currently insufficient to determine the role of this variant in disease. Therefore, it has been classified as a Variant of Uncertain Significance.

NC_000018.9:g.(?_10454979)_(12725530_?)del

Genes: AFG3L2 (AFG3 like matrix AAA peptidase subunit 2; minus strand), ANKRD62 (ankyrin repeat domain 62; plus strand), APCDD1 (APC down-regulated 1; plus strand), CEP76 (centrosomal protein 76; minus strand), CHMP1B (charged multivesicular body protein 1B; plus strand) and 11 more. Cytogenetic location: 18p11.22-11.21.
Variant type: Deletion.
Identifiers: ClinVar variation 2426533 (VCV002426533.3).